The following is an entry in ClinVar:

ClinVar aggregate classification (germline): Benign. Review status: criteria provided, multiple submitters, no conflicts (2 of 4 stars). 2 submissions from 2 submitters: Benign (2). Last evaluated 2026-02-04.

Conditions:
Catecholaminergic polymorphic ventricular tachycardia 1. Also called: VENTRICULAR TACHYCARDIA, CATECHOLAMINERGIC POLYMORPHIC, 1, WITH OR WITHOUT ATRIAL DYSFUNCTION AND/OR DILATED CARDIOMYOPATHY; RYR2-Related Catecholaminergic Polymorphic Ventricular Tachycardia; VENTRICULAR TACHYCARDIA, STRESS-INDUCED POLYMORPHIC 1. Identifiers: Orphanet 3286, MedGen C1631597, MONDO:0011484, OMIM 604772.

Allele frequency attached by ClinVar (database versions not stated): 1000 Genomes Project 0.50080; 1000 Genomes Project 30x 0.50219; TOPMed 0.56280; gnomAD 0.56655 and 0.56990; gnomAD exomes 0.63638.
gnomAD v4.1: 883,851 of 1,407,480 alleles (63%); highest among the groups gnomAD compares: Non-Finnish European, 66%; 282,166 homozygotes.

Submissions (2):

Labcorp Genetics (formerly Invitae), Labcorp
Classification: Benign for Catecholaminergic polymorphic ventricular tachycardia 1. Last evaluated: 2026-02-04. Review status: criteria provided, single submitter. Criteria: Invitae Variant Classification Sherloc (09022015). Collection method: clinical testing. Allele origin: germline.

GeneDx
Classification: Benign. Last evaluated: 2018-06-14. Review status: criteria provided, single submitter. Criteria: GeneDx Variant Classification (06012015). Collection method: clinical testing. Allele origin: germline. Affected: yes.
Comment: This variant is considered likely benign or benign based on one or more of the following criteria: it is a conservative change, it occurs at a poorly conserved position in the protein, it is predicted to be benign by multiple in silico algorithms, and/or has population frequency not consistent with disease.

NM_006073.4(TRDN):c.484+1457C>T

Gene: TRDN (triadin; minus strand). Cytogenetic location: 6q22.31.
Variant type: single nucleotide variant.
Coding change: c.484+1457C>T on transcript NM_006073.4 (MANE Select); 1457 bases into the intron after coding-DNA position 484, C replaced by T.
Molecular consequence: intron variant. On other transcripts: 3 prime UTR variant (1).
Genome position (GRCh38, 1-based): chr6:123,529,049, G>A on the plus strand (C>T on the coding strand, the complement: TRDN is on the minus strand). VCF-style: chr6-123529049-G-A. GRCh37 (hg19) VCF-style: chr6-123850194-G-A.
Other names: c.*225C>T (NM_001256022.2); c.484+1457C>T (NM_001251987.2, NM_001256020.2, NM_001256021.2).
Identifiers: ClinVar variation 674823 (VCV000674823.10), dbSNP rs9490795, ClinGen allele CA12393741.